The following is an entry in ClinVar:

NM_000268.4(NF2):c.675+3_675+6del

Gene: NF2 (NF2, moesin-ezrin-radixin like (MERLIN) tumor suppressor; plus strand). Cytogenetic location: 22q12.2.
Variant type: Microsatellite.
Coding change: c.675+3_675+6del on transcript NM_000268.4 (MANE Select); bases 3 to 6 of the intron after coding-DNA position 675, 4 bases deleted (GTGT; older notation c.675+3_675+6delGTGT).
Molecular consequence: splice donor variant. On other transcripts: intron variant (1).
Genome position (GRCh38, 1-based): chr22:29,658,267-29,658,270, GTGT deleted; deleting any 4 consecutive bases within chr22:29,658,265-29,658,270 gives the same sequence; the c. name uses the placement nearest the transcript's 3' end. VCF-style (leftmost placement, unchanged base first): chr22-29658264-GGTGT-G. GRCh37 (hg19) VCF-style: chr22-30054253-GGTGT-G.
Other names: c.675+3_675+6del (NM_016418.5, NM_181832.3, NM_001407060.1 and 4 more transcripts); c.561+3_561+6del (NM_001407056.1, NM_001407053.1); c.444+3_444+6del (NM_001407067.1); c.141+3_141+6del (NM_001407065.1); c.447+15982_447+15985del (NM_181833.3); c.552+3_552+6del (NM_001407058.1, NM_181829.3, NM_001407054.1 and 1 more transcripts); c.549+3_549+6del (NM_181828.3, NM_001407055.1); c.426+3_426+6del (NM_001407063.1, NM_181830.3, NM_001407064.1 and 1 more transcripts).
Identifiers: ClinVar variation 2825320 (VCV002825320.3), dbSNP rs2518576424, ClinGen allele CA2739267871.

ClinVar aggregate classification (germline): Uncertain significance (1 of 4 stars; one submission).

Conditions:
Neurofibromatosis, type 2 (SWNV). Also called: BILATERAL ACOUSTIC NEUROFIBROMATOSIS; NF2-Related Schwannomatosis; SCHWANNOMATOSIS, VESTIBULAR. Identifiers: Orphanet 637, MedGen C0027832, MONDO:0007039, OMIM 101000. Disease mechanism: loss of function.

Submission:

Labcorp Genetics (formerly Invitae), Labcorp
Classification: Uncertain significance for Neurofibromatosis, type 2. Last evaluated: 2022-12-31. Review status: criteria provided, single submitter. Criteria: Invitae Variant Classification Sherloc (09022015). Collection method: clinical testing. Allele origin: germline.
Comment: In summary, the available evidence is currently insufficient to determine the role of this variant in disease. Therefore, it has been classified as a Variant of Uncertain Significance. Variants that disrupt the consensus splice site are a relatively common cause of aberrant splicing (PMID: 17576681, 9536098). Algorithms developed to predict the effect of sequence changes on RNA splicing suggest that this variant may disrupt the consensus splice site. This variant has been observed in individual(s) with NF2-related schwannomatosis (Invitae). This variant is not present in population databases (gnomAD no frequency). This sequence change falls in intron 7 of the NF2 gene. It does not directly change the encoded amino acid sequence of the NF2 protein. It affects a nucleotide within the consensus splice site.

Literature cited by the submitters: PubMed 17576681; PubMed 9536098.